The following is an entry in ClinVar:

ClinVar aggregate classification (germline): Uncertain significance. Review status: criteria provided, multiple submitters, no conflicts (2 of 4 stars). 3 submissions from 3 submitters: Uncertain significance (3). Last evaluated 2022-12-18.

Conditions:
Dilated cardiomyopathy 1CC (CMD1CC). Identifiers: Orphanet 154, MedGen C2751084, MONDO:0013147, OMIM 613122.
Hypertrophic cardiomyopathy 20. Identifiers: MedGen C3151267, MONDO:0013477, OMIM 613876.
Cardiovascular phenotype. Identifiers: MedGen CN230736.

Allele frequency attached by ClinVar (database versions not stated): TOPMed 0.00002; ExAC 0.00003; gnomAD exomes 0.00003.
gnomAD v4.1: 17 of 1,610,440 alleles (0.0011%); highest among the groups gnomAD compares: East Asian, 0.033%; no homozygotes.

Submissions (3):

Ambry Genetics
Classification: Uncertain significance for Cardiovascular phenotype. Last evaluated: 2022-12-18. Review status: criteria provided, single submitter. Criteria: Ambry Variant Classification Scheme 2023. Collection method: clinical testing. Allele origin: germline.
Comment: The p.T666N variant (also known as c.1997C>A), located in coding exon 12 of the NEXN gene, results from a C to A substitution at nucleotide position 1997. The threonine at codon 666 is replaced by asparagine, an amino acid with similar properties. This amino acid position is conserved. In addition, this alteration is predicted to be tolerated by in silico analysis. Since supporting evidence is limited at this time, the clinical significance of this alteration remains unclear.

Mayo Clinic Laboratories, Mayo Clinic
Classification: Uncertain significance. Last evaluated: 2020-03-19. Review status: criteria provided, single submitter. Criteria: ACMG Guidelines, 2015. Collection method: clinical testing. Allele origin: germline. Observed: 1 variant allele.

Labcorp Genetics (formerly Invitae), Labcorp
Classification: Uncertain significance for Dilated cardiomyopathy 1CC; Hypertrophic cardiomyopathy 20. Last evaluated: 2018-10-03. Review status: criteria provided, single submitter. Criteria: Invitae Variant Classification Sherloc (09022015). Collection method: clinical testing. Allele origin: germline.
Comment: In summary, the available evidence is currently insufficient to determine the role of this variant in disease. Therefore, it has been classified as a Variant of Uncertain Significance. Algorithms developed to predict the effect of missense changes on protein structure and function are either unavailable or do not agree on the potential impact of this missense change (SIFT: "Deleterious"; PolyPhen-2: "Benign"; Align-GVGD: "Class C0"). This variant has not been reported in the literature in individuals with NEXN-related disease. ClinVar contains an entry for this variant (Variation ID:¬†470681). This variant is present in population databases (rs749271412, ExAC 0.04%). This sequence change replaces threonine with asparagine at codon 666 of the NEXN protein (p.Thr666Asn). The threonine residue is highly conserved and there is a small physicochemical difference between threonine and asparagine.

NM_144573.4(NEXN):c.1997C>A (p.Thr666Asn)

Gene: NEXN (nexilin F-actin binding protein; plus strand). Cytogenetic location: 1p31.1.
Variant type: single nucleotide variant.
Coding change: c.1997C>A on transcript NM_144573.4 (MANE Select); coding-DNA position 1997, C replaced by A.
Protein change: p.Thr666Asn; replaces threonine 666 with asparagine.
Molecular consequence: missense variant.
Genome position (GRCh38, 1-based): chr1:77,942,798, C>A. VCF-style: chr1-77942798-C-A. GRCh37 (hg19) VCF-style: chr1-78408483-C-A.
Other names: c.1805C>A, p.Thr602Asn (NM_001172309.2); short protein forms T666N, T602N.
Identifiers: ClinVar variation 470681 (VCV000470681.13), dbSNP rs749271412, ClinGen allele CA919017.